The following is an entry in ClinVar:

NM_000532.5(PCCB):c.348A>G (p.Gly116=)

Gene: PCCB (propionyl-CoA carboxylase subunit beta; plus strand). Cytogenetic location: 3q22.3.
Variant type: single nucleotide variant.
Coding change: c.348A>G on transcript NM_000532.5 (MANE Select); coding-DNA position 348, A replaced by G.
Protein change: p.Gly116=; no amino-acid change (glycine 116 retained).
Molecular consequence: synonymous variant.
Genome position (GRCh38, 1-based): chr3:136,256,599, A>G. VCF-style: chr3-136256599-A-G. GRCh37 (hg19) VCF-style: chr3-135975441-A-G.
Other names: p.Gly116=; c.348A>G, p.Gly116= (NM_001178014.2).
Identifiers: ClinVar variation 385440 (VCV000385440.6), dbSNP rs1057522223, ClinGen allele CA16604369.

ClinVar aggregate classification (germline): Likely benign. Review status: criteria provided, multiple submitters, no conflicts (2 of 4 stars). 3 submissions from 3 submitters: Likely benign (3). Last evaluated 2025-12-29.

Conditions:
Propionic acidemia (PROP). Also called: GLYCINEMIA, KETOTIC; HYPERGLYCINEMIA WITH KETOACIDOSIS AND LEUKOPENIA; KETOTIC HYPERGLYCINEMIA. Identifiers: Orphanet 35, MedGen C0268579, MONDO:0011628, OMIM 606054, HP:0003571.

Allele frequency attached by ClinVar (database versions not stated): gnomAD 0.00001; gnomAD exomes 0.00001 and 0.00002; TOPMed 0.00001.
gnomAD v4.1: 9 of 1,612,472 alleles (0.00056%); highest among the groups gnomAD compares: Admixed American, 0.01%; no homozygotes.

Submissions (3):

Labcorp Genetics (formerly Invitae), Labcorp
Classification: Likely benign for Propionic acidemia. Last evaluated: 2025-12-29. Review status: criteria provided, single submitter. Criteria: Invitae Variant Classification Sherloc (09022015). Collection method: clinical testing. Allele origin: germline.

Mayo Clinic Laboratories, Mayo Clinic
Classification: Likely benign. Last evaluated: 2025-05-29. Review status: criteria provided, single submitter. Criteria: ACMG Guidelines, 2015. Collection method: clinical testing. Allele origin: germline. Observed: 1 variant allele.
Comment: BP4, BP7, PM2_supporting

GeneDx
Classification: Likely benign. Last evaluated: 2016-04-19. Review status: criteria provided, single submitter. Criteria: GeneDx Variant Classification (06012015). Collection method: clinical testing. Allele origin: germline. Affected: yes.
Comment: This variant is considered likely benign or benign based on one or more of the following criteria: it is a conservative change, it occurs at a poorly conserved position in the protein, it is predicted to be benign by multiple in silico algorithms, and/or has population frequency not consistent with disease.